The following is an entry in ClinVar:

ClinVar aggregate classification (germline): Uncertain significance (1 of 4 stars; one submission).

Conditions:
Combined immunodeficiency due to DOCK8 deficiency (HIES2). Also called: DOCK8 Deficiency; HIES autosomal recessive; Hyper-IgE recurrent infection syndrome, autosomal recessive; HYPER-IgE RECURRENT INFECTION SYNDROME 2, AUTOSOMAL RECESSIVE; HYPER-IgE SYNDROME 2, AUTOSOMAL RECESSIVE, WITH RECURRENT INFECTIONS. Identifiers: Orphanet 217390, MedGen C4722305, MONDO:0009478, OMIM 243700.

Submission:

Labcorp Genetics (formerly Invitae), Labcorp
Classification: Uncertain significance for Combined immunodeficiency due to DOCK8 deficiency. Last evaluated: 2019-10-02. Review status: criteria provided, single submitter. Criteria: Invitae Variant Classification Sherloc (09022015). Collection method: clinical testing. Allele origin: germline.
Comment: This variant results in a copy number gain of the genomic region encompassing exons 44-48 of the DOCK8 gene. The 5' boundary is likely confined to intron 43. The 3' end of this event is unknown as it extends beyond the assayed region for this gene and therefore may encompass additional genes. As the precise location of this event is unknown, it may be in tandem or it may be located elsewhere in the genome. This variant has not been reported in the literature in individuals with DOCK8-related conditions. Experimental studies and prediction algorithms are not available or were not evaluated, and the functional significance of this variant is currently unknown. In summary, the available evidence is currently insufficient to determine the role of this variant in disease. Therefore, it has been classified as a Variant of Uncertain Significance.

NC_000009.12:g.(?_446350)_(464239_?)dup

Gene: DOCK8 (dedicator of cytokinesis 8; plus strand). Cytogenetic location: 9p24.3.
Variant type: Duplication.
Identifiers: ClinVar variation 831924 (VCV000831924.3).